The following is an entry in ClinVar:

ClinVar aggregate classification (germline): Uncertain significance. Review status: criteria provided, multiple submitters, no conflicts (2 of 4 stars). 2 submissions from 2 submitters: Uncertain significance (2). Last evaluated 2025-01-20.

Conditions:
Inborn genetic diseases. Identifiers: MedGen C0950123, MeSH D030342.
Congenital myasthenic syndrome 10. Also called: Myasthenia, limb-girdle, familial. Identifiers: Orphanet 590, MedGen C1850792, MONDO:0009690, OMIM 254300.
Fetal akinesia deformation sequence 1 (FADS1). Also called: Pena-Shokeir syndrome type I; Fetal akinesia sequence. Identifiers: Orphanet 994, MedGen C1276035, MONDO:0100101, OMIM 208150, HP:0001989.

Allele frequency attached by ClinVar (database versions not stated): ExAC 0.00001; gnomAD exomes 0.00001.
gnomAD v4.1: 108 of 1,599,096 alleles (0.0068%); highest among the groups gnomAD compares: East Asian, 0.014%; no homozygotes.

Submissions (2):

Ambry Genetics
Classification: Uncertain significance for Inborn genetic diseases. Last evaluated: 2025-01-20. Review status: criteria provided, single submitter. Criteria: Ambry Variant Classification Scheme 2023. Collection method: clinical testing. Allele origin: germline.

Labcorp Genetics (formerly Invitae), Labcorp
Classification: Uncertain significance for Congenital myasthenic syndrome 10; Fetal akinesia deformation sequence 1. Last evaluated: 2023-12-22. Review status: criteria provided, single submitter. Criteria: Invitae Variant Classification Sherloc (09022015). Collection method: clinical testing. Allele origin: germline.
Comment: This sequence change replaces arginine, which is basic and polar, with glutamine, which is neutral and polar, at codon 452 of the DOK7 protein (p.Arg452Gln). The frequency data for this variant in the population databases is considered unreliable, as metrics indicate poor data quality at this position in the gnomAD database. This variant has not been reported in the literature in individuals affected with DOK7-related conditions. ClinVar contains an entry for this variant (Variation ID: 1366102). Algorithms developed to predict the effect of missense changes on protein structure and function output the following: SIFT: "Not Available"; PolyPhen-2: "Benign"; Align-GVGD: "Not Available". The glutamine amino acid residue is found in multiple mammalian species, which suggests that this missense change does not adversely affect protein function. In summary, the available evidence is currently insufficient to determine the role of this variant in disease. Therefore, it has been classified as a Variant of Uncertain Significance.

NM_173660.5(DOK7):c.1355G>A (p.Arg452Gln)

Gene: DOK7 (docking protein 7; plus strand). Cytogenetic location: 4p16.3.
Variant type: single nucleotide variant.
Coding change: c.1355G>A on transcript NM_173660.5 (MANE Select); coding-DNA position 1355, G replaced by A.
Protein change: p.Arg452Gln; replaces arginine 452 with glutamine.
Molecular consequence: missense variant. On other transcripts: 3 prime UTR variant (1).
Genome position (GRCh38, 1-based): chr4:3,493,341, G>A. VCF-style: chr4-3493341-G-A. GRCh37 (hg19) VCF-style: chr4-3495068-G-A.
Other names: c.1355G>A (NM_173660.4); c.*576G>A (NM_001164673.2); c.425G>A, p.Arg142Gln (NM_001256896.2); c.1355G>A, p.Arg452Gln (NM_001301071.2); c.923G>A, p.Arg308Gln (NM_001363811.2); short protein forms R142Q, R308Q, R452Q.
Identifiers: ClinVar variation 1366102 (VCV001366102.7), dbSNP rs777057956, ClinGen allele CA2829486.
Genomic context (GRCh38, chr4:3,493,341, plus strand): 5'-GGGACTCAGGCGGCCAGACGTCCGCCGGGTGTCCCTCTGGCTGGCTGGGCACGAGACGGC[G>A]GGGCCTGGTGATGGAGGCCCCCCAGGGCAGCGAGGCCACACTGCCTGGCCCTGCCCCTGG-3'
Protein context (NP_775931.3, residues 442-462): CPSGWLGTRR[Arg452Gln]GLVMEAPQGS